The following is an entry in ClinVar:

ClinVar aggregate classification (germline): Uncertain significance (1 of 4 stars; one submission).

Conditions:
Glycogen storage disease due to muscle and heart glycogen synthase deficiency. Also called: GSD 0b; MUSCLE GLYCOGEN SYNTHASE DEFICIENCY. Identifiers: Orphanet 137625, MedGen C1969054, MONDO:0012693, OMIM 611556.

gnomAD v4.1: 4 of 1,545,286 alleles (0.00026%); highest among the groups gnomAD compares: Non-Finnish European, 0.00035%; no homozygotes.

Submission:

Labcorp Genetics (formerly Invitae), Labcorp
Classification: Uncertain significance for Glycogen storage disease due to muscle and heart glycogen synthase deficiency. Last evaluated: 2022-06-25. Review status: criteria provided, single submitter. Criteria: Invitae Variant Classification Sherloc (09022015). Collection method: clinical testing. Allele origin: germline.
Comment: This variant is not present in population databases (gnomAD no frequency). In summary, the available evidence is currently insufficient to determine the role of this variant in disease. Therefore, it has been classified as a Variant of Uncertain Significance. Algorithms developed to predict the effect of missense changes on protein structure and function are either unavailable or do not agree on the potential impact of this missense change (SIFT: "Deleterious"; PolyPhen-2: "Benign"; Align-GVGD: "Class C0"). This variant has not been reported in the literature in individuals affected with GYS1-related conditions. This sequence change replaces arginine, which is basic and polar, with cysteine, which is neutral and slightly polar, at codon 686 of the GYS1 protein (p.Arg686Cys).

NM_002103.5(GYS1):c.2056C>T (p.Arg686Cys)

Gene: GYS1 (glycogen synthase 1; minus strand). Cytogenetic location: 19q13.33.
Variant type: single nucleotide variant.
Coding change: c.2056C>T on transcript NM_002103.5 (MANE Select); coding-DNA position 2056, C replaced by T.
Protein change: p.Arg686Cys; replaces arginine 686 with cysteine.
Molecular consequence: missense variant. On other transcripts: non-coding transcript variant (1).
Genome position (GRCh38, 1-based): chr19:48,969,446, G>A on the plus strand (C>T on the coding strand, the complement: GYS1 is on the minus strand). VCF-style: chr19-48969446-G-A. GRCh37 (hg19) VCF-style: chr19-49472703-G-A.
Other names: c.1864C>T, p.Arg622Cys (NM_001161587.2); short protein forms R622C, R686C.
Identifiers: ClinVar variation 1965498 (VCV001965498.5), dbSNP rs1269492817, ClinGen allele CA406759307.